The following is an entry in ClinVar:

NM_001035.3(RYR2):c.1709-275G>T

Gene: RYR2 (ryanodine receptor 2; plus strand). Cytogenetic location: 1q43.
Variant type: single nucleotide variant.
Coding change: c.1709-275G>T on transcript NM_001035.3 (MANE Select); 275 bases into the intron before coding-DNA position 1709, G replaced by T.
Molecular consequence: intron variant.
Genome position (GRCh38, 1-based): chr1:237,491,531, G>T. VCF-style: chr1-237491531-G-T. GRCh37 (hg19) VCF-style: chr1-237654831-G-T.
Identifiers: ClinVar variation 683767 (VCV000683767.2), dbSNP rs2127155, ClinGen allele CA10707441.
Genomic context (GRCh38, chr1:237,491,531, plus strand): 5'-AGCCTGAAAATGGTCATGAACGTATTCTTTAAGGCCCCACCTCTGTGTTGCTTCGTGTAC[G>T]CCCTCCTTCGGGTAGCGTTACCGGCTTCCTCTGCTAAACACCACGTCTCAGTTGTTTGCC-3'

ClinVar aggregate classification (germline): Benign. Review status: criteria provided, multiple submitters, no conflicts (2 of 4 stars). 2 submissions from 2 submitters: Benign (2). Last evaluated 2018-06-18.

Allele frequency attached by ClinVar (database versions not stated): gnomAD 0.64831 and 0.65442; TOPMed 0.66047; 1000 Genomes Project 0.66753; 1000 Genomes Project 30x 0.67302.
gnomAD v4.1: 98,560 of 152,056 alleles (65%); highest among the groups gnomAD compares: African/African-American, 90%; 33,922 homozygotes.

Submissions (2):

GeneDx
Classification: Benign. Last evaluated: 2018-06-18. Review status: criteria provided, single submitter. Criteria: GeneDx Variant Classification (06012015). Collection method: clinical testing. Allele origin: germline. Affected: yes.
Comment: This variant is considered likely benign or benign based on one or more of the following criteria: it is a conservative change, it occurs at a poorly conserved position in the protein, it is predicted to be benign by multiple in silico algorithms, and/or has population frequency not consistent with disease.

Breakthrough Genomics
Classification: Benign. Review status: criteria provided, single submitter. Criteria: ACMG Guidelines, 2015. Collection method: not provided. Allele origin: germline. Inheritance: Autosomal dominant inheritance. Affected: yes.